The following is an entry in ClinVar:

ClinVar aggregate classification (germline): Pathogenic (1 of 4 stars; one submission).

Submission:

GeneDx
Classification: Pathogenic. Last evaluated: 2015-09-18. Review status: criteria provided, single submitter. Criteria: GeneDx Variant Classification (06012015). Collection method: clinical testing. Allele origin: germline. Affected: yes.
Comment: The c.3315_3319delTTCTC deletion in the AHDC1 gene has not been reported previously as a pathogenic variant nor as a benign polymorphism, to our knowledge. The c.3315_3319delTTCTC variant causes a frameshift starting with codon Serine 1106, changes this amino acid to a Valine residue, and creates a premature Stop codon at position 18 of the new reading frame, denoted p.Ser1106ValfsX18. This deletion is predicted to cause loss of normal protein function through protein truncation. The c.3315_3319delTTCTC variant was not observed in approximately 6,500 individuals of European and African American ancestry in the NHLBI Exome Sequencing Project, indicating it is not a common benign variant in these populations. We interpret c.3315_3319delTTCTC as a pathogenic variant.

NM_001371928.1(AHDC1):c.3315_3319del (p.Ser1106fs)

Gene: AHDC1 (AT-hook DNA binding motif containing 1; minus strand). Cytogenetic location: 1p36.11.
Variant type: Deletion.
Coding change: c.3315_3319del on transcript NM_001371928.1 (MANE Select); coding-DNA positions 3315 to 3319, 5 bases deleted (TTCTC; older notation c.3315_3319delTTCTC).
Protein change: p.Ser1106fs; shifts the reading frame from serine 1106.
Molecular consequence: frameshift variant.
Genome position (GRCh38, 1-based): chr1:27,548,797-27,548,801, GAGAA deleted on the plus strand (TTCTC on the coding strand, the reverse complement: AHDC1 is on the minus strand); deleting any 5 consecutive bases within chr1:27,548,797-27,548,802 gives the same sequence; the c. name uses the placement nearest the transcript's 3' end. VCF-style (leftmost placement, unchanged base first): chr1-27548796-TGAGAA-T. GRCh37 (hg19) VCF-style: chr1-27875307-TGAGAA-T.
Other names: c.3315_3319del, p.Ser1106fs (NM_001029882.3); short protein forms S1106fs.
Identifiers: ClinVar variation 429816 (VCV000429816.2), dbSNP rs1131691609, ClinGen allele CA645369166.
Genomic context (GRCh38, chr1:27,548,796, plus strand): 5'-AGCTGACTAAAGGCCTCTGAGGCCCAGTCCAGGCCTCCATAGCCCTGCCGGAAAGGCCAC[TGAGAA>T]GCCCCCGCAAACTGCCGACAGTTCTCGGGCGAGGGCTGGAAGGAGGAGGAGGAGGAGGAG-3'